The following is an entry in ClinVar:

ClinVar aggregate classification (germline): Pathogenic/Likely pathogenic. Review status: criteria provided, multiple submitters, no conflicts (2 of 4 stars). 2 submissions from 2 submitters: Pathogenic (1); Likely pathogenic (1). Last evaluated 2025-05-01.

Conditions:
PKD1-related disorder. Also called: PKD1-related condition.
Polycystic kidney disease, adult type (PKD1). Also called: Polycystic Kidney Disease 1, Autosomal Dominant; Polycystic kidney disease 1; Polycystic kidney disease 1, severe; Polycystic Kidney, Autosomal Dominant; POLYCYSTIC KIDNEY DISEASE, ADULT, TYPE I; POLYCYSTIC KIDNEY DISEASE 1 WITH OR WITHOUT POLYCYSTIC LIVER DISEASE. Identifiers: MedGen C3149841, MONDO:0008263, OMIM 173900.

Submissions (2):

Women's Health and Genetics/Laboratory Corporation of America, LabCorp
Classification: Pathogenic for Polycystic kidney disease, adult type. Last evaluated: 2025-05-01. Review status: criteria provided, single submitter. Criteria: LabCorp Variant Classification Summary - May 2015. Collection method: clinical testing. Allele origin: germline.
Comment: Variant summary: PKD1 c.12591_12592insGGCCG (p.Ser4198GlyfsX4) results in a premature termination codon, predicted to cause a truncation of the encoded protein or absence of the protein, however, nonsense mediated decay is not expected to occur. The frequency data for this variant in gnomAD is considered unreliable, as metrics indicate poor data quality at this position. To our knowledge, no occurrence of c.12591_12592insGGCCG in individuals affected with Polycystic Kidney Disease 1 and no experimental evidence demonstrating its impact on protein function have been reported. Variants downstream of this variant have been classified as pathogenic in ClinVar with multiple publications citing patients affected with autosomal dominant Polycystic Kidney Disease carrying various heterozygous downstream nonsense variants (e.g. p.Q4238X; PMIDs: 24611717, 26632257, 27165007, 19686598), supporting a critical relevance of this region to PKD1 protein function. No submitters have cited clinical-significance assessments for this variant to ClinVar. Based on the evidence outlined above, the variant was classified as pathogenic.

Blueprint Genetics
Classification: Likely pathogenic for PKD1-related disorders. Last evaluated: 2019-01-18. Review status: criteria provided, single submitter. Criteria: ACMG Guidelines, 2015. Collection method: clinical testing. Allele origin: germline. Affected: yes. Observed: 1 variant allele.

NM_001009944.3(PKD1):c.12591_12592insGGCCG (p.Ser4198fs)

Gene: PKD1 (polycystin 1, transient receptor potential channel interacting; minus strand). Cytogenetic location: 16p13.3.
Variant type: Insertion.
Coding change: c.12591_12592insGGCCG on transcript NM_001009944.3 (MANE Select); coding-DNA positions 12591 to 12592, GGCCG inserted.
Protein change: p.Ser4198fs; shifts the reading frame from serine 4198.
Molecular consequence: frameshift variant.
Genome position: GRCh38 VCF-style: chr16-2090047-T-TCGGCC. GRCh37 (hg19) VCF-style: chr16-2140048-T-TCGGCC.
Other names: c.12588_12589insGGCCG, p.Ser4197fs (NM_000296.4); short protein forms S4197fs, S4198fs.
Identifiers: ClinVar variation 3902601 (VCV003902601.2).